The following is an entry in ClinVar:

NM_002439.5(MSH3):c.1454-5del

Gene: MSH3 (mutS homolog 3; plus strand). Cytogenetic location: 5q14.1.
Variant type: Deletion.
Coding change: c.1454-5del on transcript NM_002439.5 (MANE Select); 5 bases into the intron before coding-DNA position 1454, one base deleted (T; older notation c.1454-5delT).
Molecular consequence: intron variant.
Genome position (GRCh38, 1-based): chr5:80,728,846, T deleted; the last of 4 consecutive T bases (chr5:80,728,843-80,728,846); deleting any one gives the same sequence. VCF-style (leftmost placement, unchanged base first): chr5-80728842-GT-G. GRCh37 (hg19) VCF-style: chr5-80024661-GT-G.
Other names: c.1454-5delT (NM_002439.3, NM_002439.4, NM_002439.5).
Identifiers: ClinVar variation 760173 (VCV000760173.18), dbSNP rs780632399, ClinGen allele CA3327927.

ClinVar aggregate classification (germline): Benign/Likely benign. Review status: criteria provided, multiple submitters, no conflicts (2 of 4 stars). 7 submissions from 7 submitters: Benign (1); Likely benign (6). Last evaluated 2026-01-20.

Conditions:
MSH3-related disorder. Also called: MSH3-related condition.
Hereditary cancer-predisposing syndrome. Also called: Hereditary neoplastic syndrome; Neoplastic Syndromes, Hereditary; Hereditary Cancer Syndrome; Tumor predisposition. Identifiers: Orphanet 140162, MedGen C0027672, MeSH D009386, MONDO:0015356.
Familial adenomatous polyposis 4 (FAP4). Also called: MSH3-related attenuated familial adenomatous polyposis. Identifiers: Orphanet 480536, MedGen C4310719, MONDO:0044300, OMIM 617100.
Endometrial carcinoma. Also called: Endometrial carcinoma, somatic. Identifiers: MedGen C0476089, MONDO:0002447, OMIM 608089, HP:0012114.

Submissions (7):

Labcorp Genetics (formerly Invitae), Labcorp
Classification: Benign. Last evaluated: 2026-01-20. Review status: criteria provided, single submitter. Criteria: Invitae Variant Classification Sherloc (09022015). Collection method: clinical testing. Allele origin: germline.

PreventionGenetics, part of Exact Sciences
Classification: Likely benign for MSH3-related condition. Last evaluated: 2025-07-14. Review status: criteria provided, single submitter. Criteria: ACMG Guidelines, 2015. Collection method: clinical testing. Allele origin: germline.
Comment: This variant is classified as likely benign based on ACMG/AMP sequence variant interpretation guidelines (Richards et al. 2015 PMID: 25741868, with internal and published modifications).

Center for Genomic Medicine, Rigshospitalet, Copenhagen University Hospital
Classification: Likely benign. Last evaluated: 2025-03-04. Review status: criteria provided, single submitter. Criteria: ACMG Guidelines, 2015. Collection method: clinical testing. Allele origin: germline.

ARUP Laboratories, Molecular Genetics and Genomics, ARUP Laboratories
Classification: Likely benign. Last evaluated: 2024-12-03. Review status: criteria provided, single submitter. Criteria: ARUP Molecular Germline Variant Investigation Process 2024. Collection method: clinical testing. Allele origin: germline.

Blueprint Genetics
Classification: Likely benign. Last evaluated: 2024-10-10. Review status: criteria provided, single submitter. Criteria: ACMG Guidelines, 2015. Collection method: clinical testing. Allele origin: germline.

Ambry Genetics
Classification: Likely benign for Hereditary cancer-predisposing syndrome. Last evaluated: 2023-03-14. Review status: criteria provided, single submitter. Criteria: Ambry Variant Classification Scheme 2023. Collection method: clinical testing. Allele origin: germline.

Fulgent Genetics
Classification: Likely benign for Endometrial carcinoma; Familial adenomatous polyposis 4. Last evaluated: 2021-11-24. Review status: criteria provided, single submitter. Criteria: ACMG Guidelines, 2015. Collection method: clinical testing. Allele origin: unknown.